The following is an entry in ClinVar:

ClinVar aggregate classification (germline): Uncertain significance (1 of 4 stars; one submission).

Conditions:
KCNK9-related disorder. Also called: KCNK9-related condition.

Allele frequency attached by ClinVar (database versions not stated): gnomAD 0.00001; ExAC 0.00002; gnomAD exomes 0.00002; TOPMed 0.00003.
gnomAD v4.1: 32 of 1,613,442 alleles (0.002%); highest among the groups gnomAD compares: South Asian, 0.0077%; no homozygotes.

Submission:

PreventionGenetics, part of Exact Sciences
Classification: Uncertain significance for KCNK9-related condition. Last evaluated: 2023-01-11. Review status: criteria provided, single submitter. Criteria: ACMG Guidelines, 2015. Collection method: clinical testing. Allele origin: germline.
Comment: The KCNK9 c.863C>T variant is predicted to result in the amino acid substitution p.Ala288Val. To our knowledge, this variant has not been reported in the literature. This variant is reported in 0.0026% of alleles in individuals of European (Non-Finnish) descent in gnomAD. At this time, the clinical significance of this variant is uncertain due to the absence of conclusive functional and genetic evidence.

NM_001282534.2(KCNK9):c.863C>T (p.Ala288Val)

Gene: KCNK9 (potassium two pore domain channel subfamily K member 9; minus strand). Cytogenetic location: 8q24.3.
Variant type: single nucleotide variant.
Coding change: c.863C>T on transcript NM_001282534.2 (MANE Select); coding-DNA position 863, C replaced by T.
Protein change: p.Ala288Val; replaces alanine 288 with valine.
Molecular consequence: missense variant. On other transcripts: non-coding transcript variant (1).
Genome position (GRCh38, 1-based): chr8:139,618,520, G>A on the plus strand (C>T on the coding strand, the complement: KCNK9 is on the minus strand). VCF-style: chr8-139618520-G-A. GRCh37 (hg19) VCF-style: chr8-140630763-G-A.
Other names: c.863C>T, p.Ala288Val (NM_016601.2); short protein forms A288V.
Identifiers: ClinVar variation 2628439 (VCV002628439.1), dbSNP rs765326608, ClinGen allele CA4892554.
Genomic context (GRCh38, chr8:139,618,520, plus strand): 5'-CCATAGTCCTGCGAGCGGTAGCAGGTGCAGGAGCACACAGACTGCAGGTCCGGGACGTCC[G>A]CCTTGTACCTGGGCCGGCTGGGCCGCGGCTCCTCAGGGATGTGAATGACCATGCTGTTGC-3'
Protein context (NP_001269463.1, residues 278-298): EPRPSRPRYK[Ala288Val]DVPDLQSVCS